The following is an entry in ClinVar:

NM_006164.5(NFE2L2):c.1193del (p.His398fs)

Gene: NFE2L2 (NFE2 like bZIP transcription factor 2; minus strand). Cytogenetic location: 2q31.2.
Variant type: Deletion.
Coding change: c.1193del on transcript NM_006164.5 (MANE Select); coding-DNA position 1193, one base deleted (A; older notation c.1193delA).
Protein change: p.His398fs; shifts the reading frame from histidine 398.
Molecular consequence: frameshift variant.
Genome position (GRCh38, 1-based): chr2:177,231,410, T deleted on the plus strand (A on the coding strand, the reverse complement: NFE2L2 is on the minus strand). VCF-style (leftmost placement, unchanged base first): chr2-177231409-AT-A. GRCh37 (hg19) VCF-style: chr2-178096137-AT-A.
Other names: c.1145del, p.His382fs (NM_001145412.3, NM_001313900.1, NM_001313901.1); c.1124del, p.His375fs (NM_001145413.3); c.1103del, p.His368fs (NM_001313902.2); c.974del, p.His325fs (NM_001313903.2); c.893del, p.His298fs (NM_001313904.1); short protein forms H298fs, H325fs, H368fs, H375fs, H382fs, H398fs.
Identifiers: ClinVar variation 4532521 (VCV004532521.2).

ClinVar aggregate classification (germline): Uncertain significance (1 of 4 stars; one submission).

Submission:

GeneDx
Classification: Uncertain significance. Last evaluated: 2026-05-15. Review status: criteria provided, single submitter. Criteria: GeneDx Variant Classification Process June 2021. Collection method: clinical testing. Allele origin: germline.
Comment: Not observed at significant frequency in large population cohorts (gnomAD); Frameshift variant predicted to result in abnormal protein length as the last 208 amino acids are replaced with 34 different amino acids; Has not been previously published as pathogenic or benign to our knowledge